The following is an entry in ClinVar:

ClinVar aggregate classification (germline): Likely benign (1 of 4 stars; one submission).

Conditions:
Arrhythmogenic right ventricular cardiomyopathy (ARVD). Also called: Arrhythmogenic right ventricular dysplasia; Cardiomyopathy, ARVC; Arrhythmogenic cardiomyopathy; Arrhythmogenic Right Ventricular Cardiomyopathy (ARVC). Identifiers: Orphanet 247, MedGen C0349788, MeSH D019571, MONDO:0016587. Disease mechanism: loss of function. Inheritance: Various modes of inheritance.

Submission:

All of Us Research Program, National Institutes of Health
Classification: Likely benign for Arrhythmogenic right ventricular cardiomyopathy. Last evaluated: 2024-05-14. Review status: criteria provided, single submitter. Criteria: ACMG Guidelines, 2015. Collection method: clinical testing. Allele origin: germline. Inheritance: Autosomal dominant inheritance. Observed: 2 variant alleles, 2 heterozygotes.
Comment: This study involves interpretation of variants in research participants for the purpose of population health screening. Participant phenotype was not available at the time of variant classification. Additional details can be found in publication PMID: 35346344, PMCID: PMC8962531

NM_001943.5(DSG2):c.2466T>C (p.Asp822=)

Genes: DSG2 (desmoglein 2; plus strand), DSG2-AS1 (DSG2 antisense RNA 1; minus strand). Cytogenetic location: 18q12.1.
Variant type: single nucleotide variant.
Coding change: c.2466T>C on transcript NM_001943.5 (MANE Select); coding-DNA position 2466, T replaced by C.
Protein change: p.Asp822=; no amino-acid change (aspartic acid 822 retained).
Molecular consequence: synonymous variant. On other transcripts: non-coding transcript variant (1).
Genome position (GRCh38, 1-based): chr18:31,545,852, T>C. VCF-style: chr18-31545852-T-C. GRCh37 (hg19) VCF-style: chr18-29125815-T-C.
Identifiers: ClinVar variation 3386603 (VCV003386603.1).